The following is an entry in ClinVar:

ClinVar aggregate classification (germline): Benign/Likely benign. Review status: criteria provided, multiple submitters, no conflicts (2 of 4 stars). 4 submissions from 4 submitters: Benign (1); Likely benign (3). Last evaluated 2025-12-15.

Allele frequency attached by ClinVar (database versions not stated): gnomAD exomes 0.00160; ExAC 0.00181; 1000 Genomes Project 0.00559; gnomAD 0.00646 and 0.00697; 1000 Genomes Project 30x 0.00656; TOPMed 0.00703; ESP Exome Variant Server 0.00715.
gnomAD v4.1: 1,878 of 1,613,808 alleles (0.12%); highest among the groups gnomAD compares: African/African-American, 2.2%; 19 homozygotes.

Submissions (4):

Labcorp Genetics (formerly Invitae), Labcorp
Classification: Benign. Last evaluated: 2025-12-15. Review status: criteria provided, single submitter. Criteria: Invitae Variant Classification Sherloc (09022015). Collection method: clinical testing. Allele origin: germline.

Mayo Clinic Laboratories, Mayo Clinic
Classification: Likely benign. Last evaluated: 2023-07-03. Review status: criteria provided, single submitter. Criteria: ACMG Guidelines, 2015. Collection method: clinical testing. Allele origin: germline. Observed: 6 variant alleles.
Comment: BS1, BP4, BP7

GeneDx
Classification: Likely benign. Last evaluated: 2021-05-07. Review status: criteria provided, single submitter. Criteria: GeneDx Variant Classification Process June 2021. Collection method: clinical testing. Allele origin: germline. Affected: yes.

Breakthrough Genomics
Classification: Likely benign. Review status: criteria provided, single submitter. Criteria: ACMG Guidelines, 2015. Collection method: not provided. Allele origin: germline. Inheritance: Autosomal recessive inheritance. Affected: yes.

NM_173689.7(CRB2):c.2130G>A (p.Pro710=)

Gene: CRB2 (crumbs cell polarity complex component 2; plus strand). Cytogenetic location: 9q33.3.
Variant type: single nucleotide variant.
Coding change: c.2130G>A on transcript NM_173689.7 (MANE Select); coding-DNA position 2130, G replaced by A.
Protein change: p.Pro710=; no amino-acid change (proline 710 retained).
Molecular consequence: synonymous variant. On other transcripts: non-coding transcript variant (1).
Genome position (GRCh38, 1-based): chr9:123,371,272, G>A. VCF-style: chr9-123371272-G-A. GRCh37 (hg19) VCF-style: chr9-126133551-G-A.
Other names: p.Pro710=.
Identifiers: ClinVar variation 716197 (VCV000716197.15), dbSNP rs34057024, ClinGen allele CA5232143.